The following is an entry in ClinVar:

NM_004415.4(DSP):c.7391G>A (p.Arg2464His)

Gene: DSP (desmoplakin; plus strand). Cytogenetic location: 6p24.3.
Variant type: single nucleotide variant.
Coding change: c.7391G>A on transcript NM_004415.4 (MANE Select); coding-DNA position 7391, G replaced by A.
Protein change: p.Arg2464His; replaces arginine 2464 with histidine.
Molecular consequence: missense variant.
Genome position (GRCh38, 1-based): chr6:7,584,653, G>A. VCF-style: chr6-7584653-G-A. GRCh37 (hg19) VCF-style: chr6-7584886-G-A.
Other names: c.5594G>A, p.Arg1865His (NM_001008844.3); c.6062G>A, p.Arg2021His (NM_001319034.2); short protein forms R1865H, R2021H, R2464H.
Identifiers: ClinVar variation 3386720 (VCV003386720.4).
Genomic context (GRCh38, chr6:7,584,653, plus strand): 5'-TGCCTCTGAAAGAAAAGAAGAAACAGGTGCAGACATCACAAAAGAATACCCTCAGGAAGC[G>A]TAGAGTGGTCATAGTTGACCCAGAAACCAATAAAGAAATGTCTGTTCAGGAGGCCTACAA-3'
Protein context (NP_004406.2, residues 2454-2474): QTSQKNTLRK[Arg2464His]RVVIVDPETN

ClinVar aggregate classification (germline): Uncertain significance. Review status: criteria provided, multiple submitters, no conflicts (2 of 4 stars). 4 submissions from 4 submitters: Uncertain significance (4). Last evaluated 2026-01-19.

Conditions:
Arrhythmogenic cardiomyopathy with wooly hair and keratoderma. Also called: Carvajal syndrome; Arrhythmogenic cardiomyopathy with woolly hair and keratoderma; PALMOPLANTAR KERATODERMA WITH LEFT VENTRICULAR CARDIOMYOPATHY AND WOOLLY HAIR; Dilated cardiomyopathy with woolly hair and keratoderma. Identifiers: Orphanet 65282, MedGen C1854063, MONDO:0011581, OMIM 605676.
Arrhythmogenic right ventricular dysplasia 8 (ARVD8). Also called: Arrhythmogenic Right Ventricular Dysplasia/Cardiomyopathy 8; ARRHYTHMOGENIC RIGHT VENTRICULAR DYSPLASIA, FAMILIAL, 8; ARRHYTHMOGENIC RIGHT VENTRICULAR CARDIOMYOPATHY 8. Identifiers: MedGen C1843896, MONDO:0011831, OMIM 607450.
Cardiovascular phenotype. Identifiers: MedGen CN230736.

Submissions (4):

Labcorp Genetics (formerly Invitae), Labcorp
Classification: Uncertain significance for Arrhythmogenic cardiomyopathy with wooly hair and keratoderma; Arrhythmogenic right ventricular dysplasia 8. Last evaluated: 2026-01-19. Review status: criteria provided, single submitter. Criteria: Invitae Variant Classification Sherloc (09022015). Collection method: clinical testing. Allele origin: germline.
Comment: This sequence change replaces arginine, which is basic and polar, with histidine, which is basic and polar, at codon 2464 of the DSP protein (p.Arg2464His). This variant is not present in population databases (gnomAD no frequency). This variant has not been reported in the literature in individuals affected with DSP-related conditions. ClinVar contains an entry for this variant (Variation ID: 3386720). An algorithm developed to predict the effect of missense changes on protein structure and function (PolyPhen-2) suggests that this variant is likely to be disruptive. In summary, the available evidence is currently insufficient to determine the role of this variant in disease. Therefore, it has been classified as a Variant of Uncertain Significance.

Ambry Genetics
Classification: Uncertain significance for Cardiovascular phenotype. Last evaluated: 2025-07-24. Review status: criteria provided, single submitter. Criteria: Ambry Variant Classification Scheme 2023. Collection method: clinical testing. Allele origin: germline.
Comment: The p.R2464H variant (also known as c.7391G>A), located in coding exon 24 of the DSP gene, results from a G to A substitution at nucleotide position 7391. The arginine at codon 2464 is replaced by histidine, an amino acid with highly similar properties. This amino acid position is highly conserved in available vertebrate species. In addition, the in silico prediction for this alteration is inconclusive. Based on the available evidence, the clinical significance of this variant remains unclear.

All of Us Research Program, National Institutes of Health
Classification: Uncertain significance for Arrhythmogenic cardiomyopathy with wooly hair and keratoderma. Last evaluated: 2024-04-25. Review status: criteria provided, single submitter. Criteria: ACMG Guidelines, 2015. Collection method: clinical testing. Allele origin: germline. Inheritance: Autosomal dominant inheritance. Observed: 1 variant allele, 1 heterozygote.
Comment: This missense variant replaces arginine with histidine at codon 2464 of the DSP protein. Computational prediction is inconclusive regarding the impact of this variant on protein structure and function (internally defined REVEL score threshold 0.5 < inconclusive < 0.7, PMID: 27666373). To our knowledge, functional studies have not been reported for this variant. This variant has been reported in an individual affected with sudden unexpected death (PMID: 26272908). This variant has not been identified in the general population by the Genome Aggregation Database (gnomAD). The available evidence is insufficient to determine the role of this variant in disease conclusively. Therefore, this variant is classified as a Variant of Uncertain Significance.

This study involves interpretation of variants in research participants for the purpose of population health screening. Participant phenotype was not available at the time of variant classification. Additional details can be found in publication PMID: 35346344, PMCID: PMC8962531

Blueprint Genetics
Classification: Uncertain significance. Last evaluated: 2022-03-24. Review status: criteria provided, single submitter. Criteria: ACMG Guidelines, 2015. Collection method: clinical testing. Allele origin: germline.

Literature cited by the submitters: PubMed 26272908 (cited by All of Us Research Program, National Institutes of Health).